The following is an entry in ClinVar:

NM_000268.4(NF2):c.922A>G (p.Met308Val)

Gene: NF2 (NF2, moesin-ezrin-radixin like (MERLIN) tumor suppressor; plus strand). Cytogenetic location: 22q12.2.
Variant type: single nucleotide variant.
Coding change: c.922A>G on transcript NM_000268.4 (MANE Select); coding-DNA position 922, A replaced by G.
Protein change: p.Met308Val; replaces methionine 308 with valine.
Molecular consequence: missense variant. On other transcripts: non-coding transcript variant (1), intron variant (1).
Genome position (GRCh38, 1-based): chr22:29,668,369, A>G. VCF-style: chr22-29668369-A-G. GRCh37 (hg19) VCF-style: chr22-30064358-A-G.
Other names: c.922A>G, p.Met308Val (NM_016418.5, NM_181825.3, NM_181832.3); c.796A>G, p.Met266Val (NM_181828.3); c.799A>G, p.Met267Val (NM_181829.3); c.673A>G, p.Met225Val (NM_181830.3, NM_181831.3); c.447+26084A>G (NM_181833.3); short protein forms M267V, M266V, M225V, M308V.
Identifiers: ClinVar variation 1042782 (VCV001042782.11), dbSNP rs2066686693, ClinGen allele CA411145722.

ClinVar aggregate classification (germline): Uncertain significance. Review status: criteria provided, multiple submitters, no conflicts (2 of 4 stars). 2 submissions from 2 submitters: Uncertain significance (2). Last evaluated 2024-09-25.

Conditions:
Hereditary cancer-predisposing syndrome. Also called: Neoplastic Syndromes, Hereditary; Hereditary Cancer Syndrome; Hereditary neoplastic syndrome; Tumor predisposition. Identifiers: Orphanet 140162, MedGen C0027672, MeSH D009386, MONDO:0015356.
Neurofibromatosis, type 2 (SWNV). Also called: BILATERAL ACOUSTIC NEUROFIBROMATOSIS; NF2-Related Schwannomatosis; SCHWANNOMATOSIS, VESTIBULAR. Identifiers: Orphanet 637, MedGen C0027832, MONDO:0007039, OMIM 101000. Disease mechanism: loss of function.

Allele frequency attached by ClinVar (database versions not stated): TOPMed below 0.00001.

Submissions (2):

Labcorp Genetics (formerly Invitae), Labcorp
Classification: Uncertain significance for Neurofibromatosis, type 2. Last evaluated: 2024-09-25. Review status: criteria provided, single submitter. Criteria: Invitae Variant Classification Sherloc (09022015). Collection method: clinical testing. Allele origin: germline.
Comment: This sequence change replaces methionine, which is neutral and non-polar, with valine, which is neutral and non-polar, at codon 308 of the NF2 protein (p.Met308Val). This variant is not present in population databases (gnomAD no frequency). This variant has not been reported in the literature in individuals affected with NF2-related conditions. ClinVar contains an entry for this variant (Variation ID: 1042782). Invitae Evidence Modeling of protein sequence and biophysical properties (such as structural, functional, and spatial information, amino acid conservation, physicochemical variation, residue mobility, and thermodynamic stability) indicates that this missense variant is not expected to disrupt NF2 protein function with a negative predictive value of 80%. In summary, the available evidence is currently insufficient to determine the role of this variant in disease. Therefore, it has been classified as a Variant of Uncertain Significance.

Ambry Genetics
Classification: Uncertain significance for Hereditary cancer-predisposing syndrome. Last evaluated: 2021-05-28. Review status: criteria provided, single submitter. Criteria: Ambry Variant Classification Scheme 2023. Collection method: clinical testing. Allele origin: germline.
Comment: The p.M308V variant (also known as c.922A>G), located in coding exon 10 of the NF2 gene, results from an A to G substitution at nucleotide position 922. The methionine at codon 308 is replaced by valine, an amino acid with highly similar properties. This amino acid position is highly conserved in available vertebrate species. In addition, this alteration is predicted to be deleterious by in silico analysis. Since supporting evidence is limited at this time, the clinical significance of this alteration remains unclear.